The following is an entry in ClinVar:

NM_006231.4(POLE):c.3194del (p.Gly1065fs)

Gene: POLE (DNA polymerase epsilon, catalytic subunit; minus strand). Cytogenetic location: 12q24.33.
Variant type: Deletion.
Coding change: c.3194del on transcript NM_006231.4 (MANE Select); coding-DNA position 3194, one base deleted (G; older notation c.3194delG).
Protein change: p.Gly1065fs; shifts the reading frame from glycine 1065.
Molecular consequence: frameshift variant.
Genome position (GRCh38, 1-based): chr12:132,659,376, C deleted on the plus strand (G on the coding strand, the reverse complement: POLE is on the minus strand); the first of 3 consecutive C bases (chr12:132,659,376-132,659,378); deleting any one gives the same sequence. VCF-style (leftmost placement, unchanged base first): chr12-132659375-TC-T. GRCh37 (hg19) VCF-style: chr12-133235961-TC-T.
Other names: short protein forms G1065fs.
Identifiers: ClinVar variation 3647435 (VCV003647435.2).

ClinVar aggregate classification (germline): Pathogenic (1 of 4 stars; one submission).

Submission:

Labcorp Genetics (formerly Invitae), Labcorp
Classification: Pathogenic. Last evaluated: 2024-03-24. Review status: criteria provided, single submitter. Criteria: Invitae Variant Classification Sherloc (09022015). Collection method: clinical testing. Allele origin: germline.
Comment: This sequence change creates a premature translational stop signal (p.Gly1065Glufs*10) in the POLE gene. It is expected to result in an absent or disrupted protein product. Loss-of-function variants in POLE are known to be pathogenic (PMID: 23230001, 25948378, 30503519). This variant is not present in population databases (gnomAD no frequency). This variant has not been reported in the literature in individuals affected with POLE-related conditions. For these reasons, this variant has been classified as Pathogenic.

Literature cited by the submitters: PubMed 23230001; PubMed 25948378; PubMed 30503519.